The following is an entry in ClinVar:

NM_001182.5(ALDH7A1):c.1608C>G (p.Ile536Met)

Gene: ALDH7A1 (aldehyde dehydrogenase 7 family member A1; minus strand). Cytogenetic location: 5q23.2.
Variant type: single nucleotide variant.
Coding change: c.1608C>G on transcript NM_001182.5 (MANE Select); coding-DNA position 1608, C replaced by G.
Protein change: p.Ile536Met; replaces isoleucine 536 with methionine.
Molecular consequence: missense variant.
Genome position (GRCh38, 1-based): chr5:126,544,977, G>C on the plus strand (C>G on the coding strand, the complement: ALDH7A1 is on the minus strand). VCF-style: chr5-126544977-G-C. GRCh37 (hg19) VCF-style: chr5-125880669-G-C.
Other names: c.1524C>G, p.Ile508Met (NM_001201377.2); c.1416C>G, p.Ile472Met (NM_001202404.2); short protein forms I508M, I472M, I536M.
Identifiers: ClinVar variation 872351 (VCV000872351.43), dbSNP rs763737676, ClinGen allele CA3389340.

ClinVar aggregate classification (germline): Uncertain significance. Review status: criteria provided, multiple submitters, no conflicts (2 of 4 stars). 3 submissions from 3 submitters: Uncertain significance (3). Last evaluated 2023-04-11.

Conditions:
Pyridoxine-dependent epilepsy (EPEO4). Also called: Pyridoxine-Dependent Epilepsy - ALDH7A1; Pyridoxine-Dependent Seizures; EPILEPSY, EARLY-ONSET, 4, VITAMIN B6-DEPENDENT; PYRIDOXINE DEPENDENCY WITH SEIZURES. Identifiers: Orphanet 3006, MedGen C1849508, MONDO:0009945, OMIM 266100. Disease mechanism: loss of function.

Allele frequency attached by ClinVar (database versions not stated): gnomAD 0.00001; gnomAD exomes 0.00001 and 0.00002; TOPMed 0.00001; ExAC 0.00002.
gnomAD v4.1: 10 of 1,610,112 alleles (0.00062%); highest among the groups gnomAD compares: Non-Finnish European, 0.00085%; no homozygotes.

Submissions (3):

Genome-Nilou Lab
Classification: Uncertain significance for Pyridoxine-dependent epilepsy. Last evaluated: 2023-04-11. Review status: criteria provided, single submitter. Criteria: ACMG Guidelines, 2015. Collection method: clinical testing. Allele origin: germline. Affected: no.

Labcorp Genetics (formerly Invitae), Labcorp
Classification: Uncertain significance for Pyridoxine-dependent epilepsy. Last evaluated: 2022-04-18. Review status: criteria provided, single submitter. Criteria: Invitae Variant Classification Sherloc (09022015). Collection method: clinical testing. Allele origin: germline.
Comment: This sequence change replaces isoleucine, which is neutral and non-polar, with methionine, which is neutral and non-polar, at codon 536 of the ALDH7A1 protein (p.Ile536Met). This variant is present in population databases (rs763737676, gnomAD 0.004%). This variant has not been reported in the literature in individuals affected with ALDH7A1-related conditions. ClinVar contains an entry for this variant (Variation ID: 872351). Advanced modeling of protein sequence and biophysical properties (such as structural, functional, and spatial information, amino acid conservation, physicochemical variation, residue mobility, and thermodynamic stability) performed at Invitae indicates that this missense variant is expected to disrupt ALDH7A1 protein function. In summary, the available evidence is currently insufficient to determine the role of this variant in disease. Therefore, it has been classified as a Variant of Uncertain Significance.

CeGaT Center for Human Genetics Tuebingen
Classification: Uncertain significance. Last evaluated: 2019-09-01. Review status: criteria provided, single submitter. Criteria: CeGaT Center For Human Genetics Tuebingen Variant Classification Criteria Version 2. Collection method: clinical testing. Allele origin: germline. Affected: yes. Observed: 1 variant allele.